The following is an entry in ClinVar:

ClinVar aggregate classification (germline): Uncertain significance (1 of 4 stars; one submission).

Submission:

Labcorp Genetics (formerly Invitae), Labcorp
Classification: Uncertain significance. Last evaluated: 2022-11-14. Review status: criteria provided, single submitter. Criteria: Invitae Variant Classification Sherloc (09022015). Collection method: clinical testing. Allele origin: germline.
Comment: This sequence change replaces glutamic acid, which is acidic and polar, with lysine, which is basic and polar, at codon 385 of the AMER1 protein (p.Glu385Lys). This variant is not present in population databases (gnomAD no frequency). This variant has not been reported in the literature in individuals affected with AMER1-related conditions. Algorithms developed to predict the effect of missense changes on protein structure and function are either unavailable or do not agree on the potential impact of this missense change (SIFT: "Deleterious"; PolyPhen-2: "Benign"; Align-GVGD: "Class C0"). In summary, the available evidence is currently insufficient to determine the role of this variant in disease. Therefore, it has been classified as a Variant of Uncertain Significance.

NM_152424.4(AMER1):c.1153G>A (p.Glu385Lys)

Gene: AMER1 (APC membrane recruitment protein 1; minus strand). Cytogenetic location: Xq11.2.
Variant type: single nucleotide variant.
Coding change: c.1153G>A on transcript NM_152424.4 (MANE Select); coding-DNA position 1153, G replaced by A.
Protein change: p.Glu385Lys; replaces glutamic acid 385 with lysine.
Molecular consequence: missense variant.
Genome position (GRCh38, 1-based): chrX:64,192,134, C>T on the plus strand (G>A on the coding strand, the complement: AMER1 is on the minus strand). VCF-style: chrX-64192134-C-T. GRCh37 (hg19) VCF-style: chrX-63412014-C-T.
Other names: short protein forms E385K.
Identifiers: ClinVar variation 3011948 (VCV003011948.3), dbSNP rs368719613, ClinGen allele CA413308377.